The following is an entry in ClinVar:

NM_001162501.2(TNRC6B):c.5386C>T (p.Pro1796Ser)

Gene: TNRC6B (trinucleotide repeat containing adaptor 6B; plus strand). Cytogenetic location: 22q13.1.
Variant type: single nucleotide variant.
Coding change: c.5386C>T on transcript NM_001162501.2 (MANE Select); coding-DNA position 5386, C replaced by T.
Protein change: p.Pro1796Ser; replaces proline 1796 with serine.
Molecular consequence: missense variant.
Genome position (GRCh38, 1-based): chr22:40,323,125, C>T. VCF-style: chr22-40323125-C-T. GRCh37 (hg19) VCF-style: chr22-40719129-C-T.
Other names: c.2974C>T, p.Pro992Ser (NM_001024843.2); c.5056C>T, p.Pro1686Ser (NM_015088.3); short protein forms P992S, P1796S, P1686S.
Identifiers: ClinVar variation 5008717 (VCV005008717.1).

ClinVar aggregate classification (germline): Uncertain significance (1 of 4 stars; one submission).

gnomAD v4.1: 1 of 1,613,324 alleles (0.000062%); highest among the groups gnomAD compares: Non-Finnish European, 0.000085%; no homozygotes.

Submission:

GeneDx
Classification: Uncertain significance. Last evaluated: 2026-02-17. Review status: criteria provided, single submitter. Criteria: GeneDx Variant Classification Process June 2021. Collection method: clinical testing. Allele origin: germline.
Comment: Not observed at significant frequency in large population cohorts (gnomAD); In silico analysis supports that this missense variant has a deleterious effect on protein structure/function; Has not been previously published as pathogenic or benign to our knowledge